The following is an entry in ClinVar:

NM_004655.4(AXIN2):c.15G>A (p.Met5Ile)

Gene: AXIN2 (axin 2; minus strand). Cytogenetic location: 17q24.1.
Variant type: single nucleotide variant.
Coding change: c.15G>A on transcript NM_004655.4 (MANE Select); coding-DNA position 15, G replaced by A.
Protein change: p.Met5Ile; replaces methionine 5 with isoleucine.
Molecular consequence: missense variant.
Genome position (GRCh38, 1-based): chr17:65,558,606, C>T on the plus strand (G>A on the coding strand, the complement: AXIN2 is on the minus strand). VCF-style: chr17-65558606-C-T. GRCh37 (hg19) VCF-style: chr17-63554724-C-T.
Other names: c.15G>A, p.Met5Ile (NM_001363813.1); short protein forms M5I.
Identifiers: ClinVar variation 1776155 (VCV001776155.2), dbSNP rs2544256353, ClinGen allele CA400682489.

ClinVar aggregate classification (germline): Uncertain significance (1 of 4 stars; one submission).

Conditions:
Hereditary cancer-predisposing syndrome. Also called: Neoplastic Syndromes, Hereditary; Tumor predisposition; Hereditary Cancer Syndrome; Hereditary neoplastic syndrome. Identifiers: Orphanet 140162, MedGen C0027672, MeSH D009386, MONDO:0015356.

Submission:

Ambry Genetics
Classification: Uncertain significance for Hereditary cancer-predisposing syndrome. Last evaluated: 2022-06-07. Review status: criteria provided, single submitter. Criteria: Ambry Variant Classification Scheme 2023. Collection method: clinical testing. Allele origin: germline.
Comment: The p.M5I variant (also known as c.15G>A), located in coding exon 1 of the AXIN2 gene, results from a G to A substitution at nucleotide position 15. The methionine at codon 5 is replaced by isoleucine, an amino acid with highly similar properties. This amino acid position is conserved. In addition, this alteration is predicted to be tolerated by in silico analysis. Since supporting evidence is limited at this time, the clinical significance of this alteration remains unclear.